The following is an entry in ClinVar:

ClinVar aggregate classification (germline): Uncertain significance (1 of 4 stars; one submission).

Conditions:
Charcot-Marie-Tooth disease, type I (CMT1). Also called: Charcot-Marie-Tooth, Type 1; Charcot-Marie-Tooth disease type 1. Identifiers: Orphanet 65753, MedGen C0751036, MONDO:0019011.

Submission:

Labcorp Genetics (formerly Invitae), Labcorp
Classification: Uncertain significance for Charcot-Marie-Tooth disease, type I. Last evaluated: 2025-11-11. Review status: criteria provided, single submitter. Criteria: Invitae Variant Classification Sherloc (09022015). Collection method: clinical testing. Allele origin: germline.
Comment: This sequence change falls in intron 1 of the MPZ gene. It does not directly change the encoded amino acid sequence of the MPZ protein. It affects a nucleotide within the consensus splice site. This variant is not present in population databases (gnomAD no frequency). This variant has not been reported in the literature in individuals affected with MPZ-related conditions. ClinVar contains an entry for this variant (Variation ID: 3660457). Variants that disrupt the consensus splice site are a relatively common cause of aberrant splicing (PMID: 17576681, 9536098). Algorithms developed to predict the effect of sequence changes on RNA splicing suggest that this variant may disrupt the consensus splice site. In summary, the available evidence is currently insufficient to determine the role of this variant in disease. Therefore, it has been classified as a Variant of Uncertain Significance.

Literature cited by the submitters: PubMed 17576681; PubMed 9536098.

NM_000530.8(MPZ):c.67+3A>G

Gene: MPZ (myelin protein zero; minus strand). Cytogenetic location: 1q23.3.
Variant type: single nucleotide variant.
Coding change: c.67+3A>G on transcript NM_000530.8 (MANE Select); 3 bases into the intron after coding-DNA position 67, A replaced by G.
Molecular consequence: intron variant.
Genome position (GRCh38, 1-based): chr1:161,309,836, T>C on the plus strand (A>G on the coding strand, the complement: MPZ is on the minus strand). VCF-style: chr1-161309836-T-C. GRCh37 (hg19) VCF-style: chr1-161279626-T-C.
Other names: c.67+3A>G (NM_001315491.2).
Identifiers: ClinVar variation 3660457 (VCV003660457.2).